The following is an entry in ClinVar:

ClinVar aggregate classification (germline): Uncertain significance (1 of 4 stars; one submission).

Conditions:
Hypertrophic cardiomyopathy 14. Identifiers: MedGen C2750467, MONDO:0013197, OMIM 613251.

gnomAD v4.1: 1 of 1,614,246 alleles (0.000062%); highest among the groups gnomAD compares: East Asian, 0.0022%; no homozygotes.

Submission:

Labcorp Genetics (formerly Invitae), Labcorp
Classification: Uncertain significance for Hypertrophic cardiomyopathy 14. Last evaluated: 2020-01-21. Review status: criteria provided, single submitter. Criteria: Invitae Variant Classification Sherloc (09022015). Collection method: clinical testing. Allele origin: germline.
Comment: This variant has not been reported in the literature in individuals with MYH6-related conditions. Algorithms developed to predict the effect of missense changes on protein structure and function are either unavailable or do not agree on the potential impact of this missense change (SIFT: "Deleterious"; PolyPhen-2: "Probably Damaging"; Align-GVGD: "Class C0"). In summary, the available evidence is currently insufficient to determine the role of this variant in disease. Therefore, it has been classified as a Variant of Uncertain Significance. This variant is not present in population databases (ExAC no frequency). This sequence change replaces arginine with glycine at codon 244 of the MYH6 protein (p.Arg244Gly). The arginine residue is weakly conserved and there is a moderate physicochemical difference between arginine and glycine.

NM_002471.4(MYH6):c.730C>G (p.Arg244Gly)

Gene: MYH6 (myosin heavy chain 6; minus strand). Cytogenetic location: 14q11.2.
Variant type: single nucleotide variant.
Coding change: c.730C>G on transcript NM_002471.4 (MANE Select); coding-DNA position 730, C replaced by G.
Protein change: p.Arg244Gly; replaces arginine 244 with glycine.
Molecular consequence: missense variant.
Genome position (GRCh38, 1-based): chr14:23,404,301, G>C on the plus strand (C>G on the coding strand, the complement: MYH6 is on the minus strand). VCF-style: chr14-23404301-G-C. GRCh37 (hg19) VCF-style: chr14-23873510-G-C.
Other names: short protein forms R244G.
Identifiers: ClinVar variation 999631 (VCV000999631.9), dbSNP rs759116118, ClinGen allele CA389028883.